The following is an entry in ClinVar:

ClinVar aggregate classification (germline): Likely pathogenic (1 of 4 stars; one submission).

gnomAD v4.1: 15 of 1,612,934 alleles (0.00093%); highest among the groups gnomAD compares: East Asian, 0.033%; no homozygotes.

Submission:

Labcorp Genetics (formerly Invitae), Labcorp
Classification: Likely pathogenic. Last evaluated: 2023-06-18. Review status: criteria provided, single submitter. Criteria: Invitae Variant Classification Sherloc (09022015). Collection method: clinical testing. Allele origin: germline.
Comment: This sequence change affects an acceptor splice site in intron 19 of the SKIV2L gene. It is expected to disrupt RNA splicing. Variants that disrupt the donor or acceptor splice site typically lead to a loss of protein function (PMID: 16199547), and loss-of-function variants in SKIV2L are known to be pathogenic (PMID: 22444670). In summary, the currently available evidence indicates that the variant is pathogenic, but additional data are needed to prove that conclusively. Therefore, this variant has been classified as Likely Pathogenic. Algorithms developed to predict the effect of sequence changes on RNA splicing suggest that this variant may disrupt the consensus splice site. Disruption of this splice site has been observed in individual(s) with trichohepatoenteric syndrome (PMID: 29527791). This variant is not present in population databases (gnomAD no frequency).

Literature cited by the submitters: PubMed 16199547; PubMed 22444670; PubMed 29527791.

NM_006929.5(SKIC2):c.2341-2A>C

Gene: SKIC2 (SKI2 subunit of superkiller complex; plus strand). Cytogenetic location: 6p21.33.
Variant type: single nucleotide variant.
Coding change: c.2341-2A>C on transcript NM_006929.5 (MANE Select); the canonical splice acceptor site of the intron before coding-DNA position 2341, A replaced by C.
Molecular consequence: splice acceptor variant.
Genome position (GRCh38, 1-based): chr6:31,967,002, A>C. VCF-style: chr6-31967002-A-C. GRCh37 (hg19) VCF-style: chr6-31934779-A-C.
Identifiers: ClinVar variation 2803130 (VCV002803130.3), dbSNP rs781763471, ClinGen allele CA363472531.